The following is an entry in ClinVar:

ClinVar aggregate classification (germline): Uncertain significance (1 of 4 stars; one submission).

Submission:

Labcorp Genetics (formerly Invitae), Labcorp
Classification: Uncertain significance. Last evaluated: 2025-08-15. Review status: criteria provided, single submitter. Criteria: Invitae Variant Classification Sherloc (09022015). Collection method: clinical testing. Allele origin: germline.
Comment: This sequence change replaces glycine, which is neutral and non-polar, with arginine, which is basic and polar, at codon 1395 of the KMT2B protein (p.Gly1395Arg). This variant is not present in population databases (gnomAD no frequency). This variant has not been reported in the literature in individuals affected with KMT2B-related conditions. Invitae Evidence Modeling of protein sequence and biophysical properties (such as structural, functional, and spatial information, amino acid conservation, physicochemical variation, residue mobility, and thermodynamic stability) has been performed for this missense variant. However, the output from this modeling did not meet the statistical confidence thresholds required to predict the impact of this variant on KMT2B protein function. In summary, the available evidence is currently insufficient to determine the role of this variant in disease. Therefore, it has been classified as a Variant of Uncertain Significance.

NM_014727.3(KMT2B):c.4183G>A (p.Gly1395Arg)

Gene: KMT2B (lysine methyltransferase 2B; plus strand). Cytogenetic location: 19q13.12.
Variant type: single nucleotide variant.
Coding change: c.4183G>A on transcript NM_014727.3 (MANE Select); coding-DNA position 4183, G replaced by A.
Protein change: p.Gly1395Arg; replaces glycine 1395 with arginine.
Molecular consequence: missense variant.
Genome position (GRCh38, 1-based): chr19:35,727,503, G>A. VCF-style: chr19-35727503-G-A. GRCh37 (hg19) VCF-style: chr19-36218404-G-A.
Other names: short protein forms G1395R.
Identifiers: ClinVar variation 4777628 (VCV004777628.1).